The following is an entry in ClinVar:

ClinVar aggregate classification (germline): Conflicting classifications of pathogenicity. Review status: criteria provided, conflicting classifications (1 of 4 stars). 3 submissions from 3 submitters: Uncertain significance (1); Likely benign (1). 1 of the submissions does not count toward it. Last evaluated 2025-06-11.

Conditions:
ANKS1B-related disorder. Also called: ANKS1B-related condition.

Allele frequency attached by ClinVar (database versions not stated): ExAC 0.00021; 1000 Genomes Project 0.00060; gnomAD 0.00087 and 0.00078; 1000 Genomes Project 30x 0.00078; TOPMed 0.00117; gnomAD exomes 0.00020; ESP Exome Variant Server 0.00067.
gnomAD v4.1: 263 of 1,610,888 alleles (0.016%); highest among the groups gnomAD compares: African/African-American, 0.28%; no homozygotes.

Submissions (3):

Ambry Genetics
Classification: Uncertain significance. Last evaluated: 2025-06-11. Review status: criteria provided, single submitter. Criteria: Ambry Variant Classification Scheme 2023. Collection method: clinical testing. Allele origin: germline.

Labcorp Genetics (formerly Invitae), Labcorp
Classification: Likely benign. Last evaluated: 2019-12-31. Review status: criteria provided, single submitter. Criteria: Invitae Variant Classification Sherloc (09022015). Collection method: clinical testing. Allele origin: germline.

PreventionGenetics, part of Exact Sciences
Classification: Likely benign for ANKS1B-related condition. Last evaluated: 2023-07-30. Review status: no assertion criteria provided. Collection method: clinical testing. Allele origin: germline. Not counted in ClinVar's aggregate classification.
Comment: This variant is classified as likely benign based on ACMG/AMP sequence variant interpretation guidelines (Richards et al. 2015 PMID: 25741868, with internal and published modifications).

NM_001352186.2(ANKS1B):c.2293A>G (p.Ser765Gly)

Gene: ANKS1B (ankyrin repeat and sterile alpha motif domain containing 1B; minus strand). Cytogenetic location: 12q23.1.
Variant type: single nucleotide variant.
Coding change: c.2293A>G on transcript NM_001352186.2 (MANE Select); coding-DNA position 2293, A replaced by G.
Protein change: p.Ser765Gly; replaces serine 765 with glycine.
Molecular consequence: missense variant.
Genome position (GRCh38, 1-based): chr12:99,246,328, T>C on the plus strand (A>G on the coding strand, the complement: ANKS1B is on the minus strand). VCF-style: chr12-99246328-T-C. GRCh37 (hg19) VCF-style: chr12-99640106-T-C.
Other names: c.2293A>G, p.Ser765Gly (NM_001352185.1, NM_001352187.1, NM_001352188.1 and 1 more transcripts); c.2293A>G (NM_001352186.1); short protein forms S765G.
Identifiers: ClinVar variation 773680 (VCV000773680.10), dbSNP rs200534823, ClinGen allele CA6735099.